The following is an entry in ClinVar:

NM_001379270.1(CNGA1):c.965G>A (p.Gly322Glu)

Genes: CNGA1 (cyclic nucleotide gated channel subunit alpha 1; minus strand), LOC101927157 (uncharacterized LOC101927157; plus strand). Cytogenetic location: 4p12.
Variant type: single nucleotide variant.
Coding change: c.965G>A on transcript NM_001379270.1 (MANE Select); coding-DNA position 965, G replaced by A.
Protein change: p.Gly322Glu; replaces glycine 322 with glutamic acid.
Molecular consequence: missense variant.
Genome position (GRCh38, 1-based): chr4:47,937,517, C>T on the plus strand (G>A on the coding strand, the complement: CNGA1 is on the minus strand). VCF-style: chr4-47937517-C-T. GRCh37 (hg19) VCF-style: chr4-47939534-C-T.
Other names: c.965G>A, p.Gly322Glu (NM_000087.5, NM_001142564.2); short protein forms G322E.
Identifiers: ClinVar variation 1959366 (VCV001959366.5), dbSNP rs2475751669, ClinGen allele CA356827771.

ClinVar aggregate classification (germline): Uncertain significance (1 of 4 stars; one submission).

Allele frequency attached by ClinVar (database versions not stated): gnomAD exomes below 0.00001.
gnomAD v4.1: 1 of 1,614,122 alleles (0.000062%); highest among the groups gnomAD compares: Admixed American, 0.0017%; no homozygotes.

Submission:

Labcorp Genetics (formerly Invitae), Labcorp
Classification: Uncertain significance. Last evaluated: 2022-08-08. Review status: criteria provided, single submitter. Criteria: Invitae Variant Classification Sherloc (09022015). Collection method: clinical testing. Allele origin: germline.
Comment: This sequence change replaces glycine, which is neutral and non-polar, with glutamic acid, which is acidic and polar, at codon 326 of the CNGA1 protein (p.Gly326Glu). This variant is not present in population databases (gnomAD no frequency). This missense change has been observed in individual(s) with retinitis pigmentosa (Invitae). In at least one individual the data is consistent with being in trans (on the opposite chromosome) from a pathogenic variant. Algorithms developed to predict the effect of missense changes on protein structure and function (SIFT, PolyPhen-2, Align-GVGD) all suggest that this variant is likely to be disruptive. In summary, the available evidence is currently insufficient to determine the role of this variant in disease. Therefore, it has been classified as a Variant of Uncertain Significance.